The following is an entry in ClinVar:

NM_001127644.2(GABRA1):c.-243A>G

Gene: GABRA1 (gamma-aminobutyric acid type A receptor subunit alpha1; plus strand). Cytogenetic location: 5q34.
Variant type: single nucleotide variant.
Coding change: c.-243A>G on transcript NM_001127644.2 (MANE Select); 243 bases upstream of the start codon, A replaced by G.
Molecular consequence: 5 prime UTR variant.
Genome position (GRCh38, 1-based): chr5:161,848,195, A>G. VCF-style: chr5-161848195-A-G. GRCh37 (hg19) VCF-style: chr5-161275201-A-G.
Other names: c.-243A>G (NM_000806.5, NM_001127643.2).
Identifiers: ClinVar variation 508427 (VCV000508427.1), dbSNP rs1554083390, ClinGen allele CA658796669.
Genomic context (GRCh38, chr5:161,848,195, plus strand): 5'-TTTGCCCTGGGACGTATTACTACTGTCTTGGTAAAGAGAAATCTTTTGTTGTATAGCTGC[A>G]GATTGGATATTGGGAAGCAAATTTGGGTGTGAAATCTTCAGCAAAGGAGCACGCAGAGTC-3'

ClinVar aggregate classification (germline): Likely benign (1 of 4 stars; one submission).

Allele frequency attached by ClinVar (database versions not stated): gnomAD 0.00001; TOPMed below 0.00001.

Submission:

GeneDx
Classification: Likely benign. Last evaluated: 2017-03-24. Review status: criteria provided, single submitter. Criteria: GeneDx Variant Classification (06012015). Collection method: clinical testing. Allele origin: germline. Affected: yes.
Comment: This variant is considered likely benign or benign based on one or more of the following criteria: it is a conservative change, it occurs at a poorly conserved position in the protein, it is predicted to be benign by multiple in silico algorithms, and/or has population frequency not consistent with disease.